The following is an entry in ClinVar:

NM_006379.5(SEMA3C):c.474G>C (p.Lys158Asn)

Gene: SEMA3C (semaphorin 3C; minus strand). Cytogenetic location: 7q21.11.
Variant type: single nucleotide variant.
Coding change: c.474G>C on transcript NM_006379.5 (MANE Select); coding-DNA position 474, G replaced by C.
Protein change: p.Lys158Asn; replaces lysine 158 with asparagine.
Molecular consequence: missense variant.
Genome position (GRCh38, 1-based): chr7:80,810,675, C>G on the plus strand (G>C on the coding strand, the complement: SEMA3C is on the minus strand). VCF-style: chr7-80810675-C-G. GRCh37 (hg19) VCF-style: chr7-80439991-C-G.
Other names: c.528G>C, p.Lys176Asn (NM_001350120.2); c.300G>C, p.Lys100Asn (NM_001350121.2); short protein forms K100N, K158N, K176N.
Identifiers: ClinVar variation 4991041 (VCV004991041.1).
Genomic context (GRCh38, chr7:80,810,675, plus strand): 5'-CATAACAGACACCGTGTTCACGTTGGGGTTGAAAGAGCAGCGTCCTTTTCCAGATTCACA[C>G]TTGGAGTCAATCATGAAAACTTGGTCCTTTATTGTAGATAAAATTTAAAATGTGGCAATG-3'
Protein context (NP_006370.1, residues 148-168): SEDQVFMIDS[Lys158Asn]CESGKGRCSF

ClinVar aggregate classification (germline): Uncertain significance (1 of 4 stars; one submission).

Conditions:
SEMA3C-related disorder. Also called: SEMA3C-related condition.

Submission:

PreventionGenetics, part of Exact Sciences
Classification: Uncertain significance for SEMA3C-related condition. Last evaluated: 2025-09-03. Review status: criteria provided, single submitter. Criteria: ACMG Guidelines, 2015. Collection method: clinical testing. Allele origin: germline.
Comment: The SEMA3C c.528G>C variant is predicted to result in the amino acid substitution p.Lys176Asn. To our knowledge, this variant has not been reported in the literature or in a large population database (gnomAD), indicating this variant is rare. At this time, the clinical significance of this variant is uncertain due to the absence of conclusive functional and genetic evidence.